The following is an entry in ClinVar:

ClinVar aggregate classification (germline): Uncertain significance (1 of 4 stars; one submission).

Conditions:
Developmental and epileptic encephalopathy, 36 (DEE36). Also called: ALG13-CDG; Congenital disorder of glycosylation, type Is; Epileptic encephalopathy, early infantile, 36. Identifiers: Orphanet 324422, MedGen C4317295, MONDO:0010472, OMIM 300884.

Submission:

Labcorp Genetics (formerly Invitae), Labcorp
Classification: Uncertain significance for Developmental and epileptic encephalopathy, 36. Last evaluated: 2024-09-03. Review status: criteria provided, single submitter. Criteria: Invitae Variant Classification Sherloc (09022015). Collection method: clinical testing. Allele origin: germline.
Comment: This sequence change replaces leucine, which is neutral and non-polar, with proline, which is neutral and non-polar, at codon 165 of the ALG13 protein (p.Leu165Pro). This variant is not present in population databases (gnomAD no frequency). This variant has not been reported in the literature in individuals affected with ALG13-related conditions. An algorithm developed to predict the effect of missense changes on protein structure and function (PolyPhen-2) suggests that this variant is likely to be disruptive. In summary, the available evidence is currently insufficient to determine the role of this variant in disease. Therefore, it has been classified as a Variant of Uncertain Significance.

NM_001099922.3(ALG13):c.494T>C (p.Leu165Pro)

Gene: ALG13 (ALG13 UDP-N-acetylglucosaminyltransferase subunit; plus strand). Cytogenetic location: Xq23.
Variant type: single nucleotide variant.
Coding change: c.494T>C on transcript NM_001099922.3 (MANE Select); coding-DNA position 494, T replaced by C.
Protein change: p.Leu165Pro; replaces leucine 165 with proline.
Molecular consequence: missense variant. On other transcripts: non-coding transcript variant (1).
Genome position (GRCh38, 1-based): chrX:111,708,137, T>C. VCF-style: chrX-111708137-T-C. GRCh37 (hg19) VCF-style: chrX-110951365-T-C.
Other names: c.182T>C, p.Leu61Pro (NM_001257230.2, NM_001257234.2, NM_001257237.2 and 1 more transcripts); c.260T>C, p.Leu87Pro (NM_001257231.2); c.494T>C, p.Leu165Pro (NM_001324292.2); short protein forms L165P, L87P, L61P.
Identifiers: ClinVar variation 3664341 (VCV003664341.2).